The following is an entry in ClinVar:

ClinVar aggregate classification (germline): Likely pathogenic (1 of 4 stars; one submission).

Conditions:
Galactosemia. Also called: Galactose intolerance. Identifiers: Orphanet 352, MedGen C0016952, MONDO:0018116, HP:0004919. Disease mechanism: loss of function.

Submission:

Natera, Inc.
Classification: Likely pathogenic for Galactosemia. Last evaluated: 2024-09-17. Review status: criteria provided, single submitter. Criteria: Natera Variant Classification Schema (03/2026). Collection method: clinical testing. Allele origin: germline.
Comment: The c.507+2T>A variant in GALT is a canonical splice donor site variant predicted to affect pre-mRNA splicing, which may result in an abnormal transcript and altered protein product. This variant is expected to result in nonsense mediated decay, truncation, or a dysfunctional protein product. This variant is rare in the general population with a frequency below the threshold expected for the associated phenotype(s). Given the available evidence, this variant is classified as Likely Pathogenic.

NM_000155.4(GALT):c.507+2T>A

Gene: GALT (galactose-1-phosphate uridylyltransferase; plus strand). Cytogenetic location: 9p13.3.
Variant type: single nucleotide variant.
Coding change: c.507+2T>A on transcript NM_000155.4 (MANE Select); the canonical splice donor site of the intron after coding-DNA position 507, T replaced by A.
Molecular consequence: splice donor variant.
Genome position (GRCh38, 1-based): chr9:34,647,963, T>A. VCF-style: chr9-34647963-T-A. GRCh37 (hg19) VCF-style: chr9-34647960-T-A.
Other names: c.180+2T>A (NM_001258332.2).
Identifiers: ClinVar variation 4817633 (VCV004817633.1).